The following is an entry in ClinVar:

NM_006231.4(POLE):c.4473C>G (p.His1491Gln)

Gene: POLE (DNA polymerase epsilon, catalytic subunit; minus strand). Cytogenetic location: 12q24.33.
Variant type: single nucleotide variant.
Coding change: c.4473C>G on transcript NM_006231.4 (MANE Select); coding-DNA position 4473, C replaced by G.
Protein change: p.His1491Gln; replaces histidine 1491 with glutamine.
Molecular consequence: missense variant.
Genome position (GRCh38, 1-based): chr12:132,643,302, G>C on the plus strand (C>G on the coding strand, the complement: POLE is on the minus strand). VCF-style: chr12-132643302-G-C. GRCh37 (hg19) VCF-style: chr12-133219888-G-C.
Other names: short protein forms H1491Q.
Identifiers: ClinVar variation 3730231 (VCV003730231.2).

ClinVar aggregate classification (germline): Uncertain significance (1 of 4 stars; one submission).

Submission:

Labcorp Genetics (formerly Invitae), Labcorp
Classification: Uncertain significance. Last evaluated: 2024-12-02. Review status: criteria provided, single submitter. Criteria: Invitae Variant Classification Sherloc (09022015). Collection method: clinical testing. Allele origin: germline.
Comment: This sequence change replaces histidine, which is basic and polar, with glutamine, which is neutral and polar, at codon 1491 of the POLE protein (p.His1491Gln). This variant is not present in population databases (gnomAD no frequency). This variant has not been reported in the literature in individuals affected with POLE-related conditions. Invitae Evidence Modeling of protein sequence and biophysical properties (such as structural, functional, and spatial information, amino acid conservation, physicochemical variation, residue mobility, and thermodynamic stability) indicates that this missense variant is not expected to disrupt POLE protein function with a negative predictive value of 80%. In summary, the available evidence is currently insufficient to determine the role of this variant in disease. Therefore, it has been classified as a Variant of Uncertain Significance.